The following is an entry in ClinVar:

NM_001042492.3(NF1):c.4264T>C (p.Tyr1422His)

Gene: NF1 (neurofibromin 1; plus strand). Cytogenetic location: 17q11.2.
Variant type: single nucleotide variant.
Coding change: c.4264T>C on transcript NM_001042492.3 (MANE Select); coding-DNA position 4264, T replaced by C.
Protein change: p.Tyr1422His; replaces tyrosine 1422 with histidine.
Molecular consequence: missense variant.
Genome position (GRCh38, 1-based): chr17:31,258,434, T>C. VCF-style: chr17-31258434-T-C. GRCh37 (hg19) VCF-style: chr17-29585452-T-C.
Other names: c.4201T>C, p.Tyr1401His (NM_000267.4); short protein forms Y1401H, Y1422H.
Identifiers: ClinVar variation 660933 (VCV000660933.10), dbSNP rs17884349, ClinGen allele CA289350569.

ClinVar aggregate classification (germline): Conflicting classifications of pathogenicity. Review status: criteria provided, conflicting classifications (1 of 4 stars). 3 submissions from 3 submitters: Uncertain significance (2); Likely benign (1). Last evaluated 2025-11-10.

Conditions:
Neurofibromatosis, type 1 (NF1). Also called: VON RECKLINGHAUSEN DISEASE; NEUROFIBROMATOSIS, TYPE I, SOMATIC; Peripheral type neurofibromatosis; Neurofibromatosis, type I. Identifiers: Orphanet 636, MedGen C0027831, MONDO:0018975, OMIM 162200. Disease mechanism: loss of function.
NF1-related disorder. Also called: NF1-related condition. Identifiers: MedGen CN379171.

Submissions (3):

Labcorp Genetics (formerly Invitae), Labcorp
Classification: Likely benign for Neurofibromatosis, type 1. Last evaluated: 2025-11-10. Review status: criteria provided, single submitter. Criteria: Invitae Variant Classification Sherloc (09022015). Collection method: clinical testing. Allele origin: germline.

GeneDx
Classification: Uncertain significance. Last evaluated: 2024-06-02. Review status: criteria provided, single submitter. Criteria: GeneDx Variant Classification Process June 2021. Collection method: clinical testing. Allele origin: germline. Affected: yes.
Comment: Not observed at significant frequency in large population cohorts (gnomAD); In silico analysis indicates that this missense variant does not alter protein structure/function; Has not been previously published as pathogenic or benign to our knowledge; This variant is associated with the following publications: (PMID: 25486365, 22807134)

PreventionGenetics, part of Exact Sciences
Classification: Uncertain significance for NF1-related condition. Last evaluated: 2023-04-26. Review status: criteria provided, single submitter. Criteria: ACMG Guidelines, 2015. Collection method: clinical testing. Allele origin: germline.
Comment: The NF1 c.4264T>C variant is predicted to result in the amino acid substitution p.Tyr1422His. To our knowledge, this variant has not been reported in the literature or in a large population database, indicating this variant is rare. At this time, the clinical significance of this variant is uncertain due to the absence of conclusive functional and genetic evidence.